The following is an entry in ClinVar:

ClinVar aggregate classification (germline): Uncertain significance (1 of 4 stars; one submission).

Conditions:
Autosomal dominant polycystic kidney disease. Identifiers: Orphanet 730, MedGen C0085413, MONDO:0004691.

Allele frequency attached by ClinVar (database versions not stated): gnomAD 0.00001; gnomAD exomes 0.00001; TOPMed 0.00001.
gnomAD v4.1: 14 of 1,612,854 alleles (0.00087%); highest among the groups gnomAD compares: Non-Finnish European, 0.0012%; no homozygotes.

Submission:

Labcorp Genetics (formerly Invitae), Labcorp
Classification: Uncertain significance for Autosomal dominant polycystic kidney disease. Last evaluated: 2023-07-29. Review status: criteria provided, single submitter. Criteria: Invitae Variant Classification Sherloc (09022015). Collection method: clinical testing. Allele origin: germline.
Comment: In summary, the available evidence is currently insufficient to determine the role of this variant in disease. Therefore, it has been classified as a Variant of Uncertain Significance. Advanced modeling of protein sequence and biophysical properties (such as structural, functional, and spatial information, amino acid conservation, physicochemical variation, residue mobility, and thermodynamic stability) has been performed at Invitae for this missense variant, however the output from this modeling did not meet the statistical confidence thresholds required to predict the impact of this variant on PKD2 protein function. This variant has not been reported in the literature in individuals affected with PKD2-related conditions. This variant is not present in population databases (gnomAD no frequency). This sequence change replaces alanine, which is neutral and non-polar, with serine, which is neutral and polar, at codon 475 of the PKD2 protein (p.Ala475Ser).

NM_000297.4(PKD2):c.1423G>T (p.Ala475Ser)

Gene: PKD2 (polycystin 2, transient receptor potential cation channel; plus strand). Cytogenetic location: 4q22.1.
Variant type: single nucleotide variant.
Coding change: c.1423G>T on transcript NM_000297.4 (MANE Select); coding-DNA position 1423, G replaced by T.
Protein change: p.Ala475Ser; replaces alanine 475 with serine.
Molecular consequence: missense variant. On other transcripts: non-coding transcript variant (1).
Genome position (GRCh38, 1-based): chr4:88,046,745, G>T. VCF-style: chr4-88046745-G-T. GRCh37 (hg19) VCF-style: chr4-88967897-G-T.
Other names: short protein forms A475S.
Identifiers: ClinVar variation 2959645 (VCV002959645.3), dbSNP rs1474329673, ClinGen allele CA357619163.